The following is an entry in ClinVar:

NM_001378454.1(ALMS1):c.12106A>G (p.Thr4036Ala)

Genes: ALMS1 (ALMS1 centrosome and basal body associated protein; plus strand), LOC126806252 (BRD4-independent group 4 enhancer GRCh37_chr2:73828496-73829695; plus strand). Cytogenetic location: 2p13.1.
Variant type: single nucleotide variant.
Coding change: c.12106A>G on transcript NM_001378454.1 (MANE Select); coding-DNA position 12106, A replaced by G.
Protein change: p.Thr4036Ala; replaces threonine 4036 with alanine.
Molecular consequence: missense variant.
Genome position (GRCh38, 1-based): chr2:73,601,428, A>G. VCF-style: chr2-73601428-A-G. GRCh37 (hg19) VCF-style: chr2-73828555-A-G.
Other names: c.12109A>G, p.Thr4037Ala (NM_015120.4); short protein forms T4036A, T4037A.
Identifiers: ClinVar variation 1750248 (VCV001750248.2), dbSNP rs1324422612, ClinGen allele CA347267237.

ClinVar aggregate classification (germline): Uncertain significance (1 of 4 stars; one submission).

Conditions:
Cardiovascular phenotype. Identifiers: MedGen CN230736.

Allele frequency attached by ClinVar (database versions not stated): gnomAD exomes below 0.00001; TOPMed below 0.00001; gnomAD 0.00001.
gnomAD v4.1: 4 of 1,613,894 alleles (0.00025%); highest among the groups gnomAD compares: Admixed American, 0.0017%; no homozygotes.

Submission:

Ambry Genetics
Classification: Uncertain significance for Cardiovascular phenotype. Last evaluated: 2021-09-21. Review status: criteria provided, single submitter. Criteria: Ambry Variant Classification Scheme 2023. Collection method: clinical testing. Allele origin: germline.
Comment: The p.T4037A variant (also known as c.12109A>G), located in coding exon 19 of the ALMS1 gene, results from an A to G substitution at nucleotide position 12109. The threonine at codon 4037 is replaced by alanine, an amino acid with similar properties. In addition, this alteration is predicted to be tolerated by in silico analysis. Since supporting evidence is limited at this time, the clinical significance of this alteration remains unclear.